The following is an entry in ClinVar:

ClinVar aggregate classification (germline): Uncertain significance. Review status: criteria provided, multiple submitters, no conflicts (2 of 4 stars). 2 submissions from 2 submitters: Uncertain significance (2). Last evaluated 2022-09-15.

Allele frequency attached by ClinVar (database versions not stated): gnomAD exomes 0.00001; TOPMed 0.00001.
gnomAD v4.1: 17 of 1,613,858 alleles (0.0011%); highest among the groups gnomAD compares: East Asian, 0.036%; no homozygotes.

Submissions (2):

Labcorp Genetics (formerly Invitae), Labcorp
Classification: Uncertain significance. Last evaluated: 2022-09-15. Review status: criteria provided, single submitter. Criteria: Invitae Variant Classification Sherloc (09022015). Collection method: clinical testing. Allele origin: germline.
Comment: This variant is present in population databases (no rsID available, gnomAD 0.006%). This sequence change replaces serine, which is neutral and polar, with proline, which is neutral and non-polar, at codon 717 of the NPAT protein (p.Ser717Pro). This variant has not been reported in the literature in individuals affected with NPAT-related conditions. Algorithms developed to predict the effect of missense changes on protein structure and function output the following: SIFT: "Tolerated"; PolyPhen-2: "Benign"; Align-GVGD: "Class C0". The proline amino acid residue is found in multiple mammalian species, which suggests that this missense change does not adversely affect protein function. In summary, the available evidence is currently insufficient to determine the role of this variant in disease. Therefore, it has been classified as a Variant of Uncertain Significance.

Ambry Genetics
Classification: Uncertain significance. Last evaluated: 2022-07-02. Review status: criteria provided, single submitter. Criteria: Ambry Variant Classification Scheme 2023. Collection method: clinical testing. Allele origin: germline.
Comment: The p.S717P variant (also known as c.2149T>C), located in coding exon 13 of the NPAT gene, results from a T to C substitution at nucleotide position 2149. The serine at codon 717 is replaced by proline, an amino acid with similar properties. This amino acid position is conserved. In addition, this alteration is predicted to be tolerated by in silico analysis. Since supporting evidence is limited at this time, the clinical significance of this alteration remains unclear.

NM_002519.3(NPAT):c.2149T>C (p.Ser717Pro)

Gene: NPAT (nuclear protein, coactivator of histone transcription; minus strand). Cytogenetic location: 11q22.3.
Variant type: single nucleotide variant.
Coding change: c.2149T>C on transcript NM_002519.3 (MANE Select); coding-DNA position 2149, T replaced by C.
Protein change: p.Ser717Pro; replaces serine 717 with proline.
Molecular consequence: missense variant.
Genome position (GRCh38, 1-based): chr11:108,172,835, A>G on the plus strand (T>C on the coding strand, the complement: NPAT is on the minus strand). VCF-style: chr11-108172835-A-G. GRCh37 (hg19) VCF-style: chr11-108043562-A-G.
Other names: c.2149T>C, p.Ser717Pro (NM_001321307.1); short protein forms S717P.
Identifiers: ClinVar variation 1786697 (VCV001786697.7), dbSNP rs1480597765, ClinGen allele CA382513586.